The following is an entry in ClinVar:

NM_024753.5(TTC21B):c.3932G>A (p.Arg1311His)

Gene: TTC21B (tetratricopeptide repeat domain 21B; minus strand). Cytogenetic location: 2q24.3.
Variant type: single nucleotide variant.
Coding change: c.3932G>A on transcript NM_024753.5 (MANE Select); coding-DNA position 3932, G replaced by A.
Protein change: p.Arg1311His; replaces arginine 1311 with histidine.
Molecular consequence: missense variant.
Genome position (GRCh38, 1-based): chr2:165,874,774, C>T on the plus strand (G>A on the coding strand, the complement: TTC21B is on the minus strand). VCF-style: chr2-165874774-C-T. GRCh37 (hg19) VCF-style: chr2-166731284-C-T.
Other names: p.Arg1311His; short protein forms R1311H.
Identifiers: ClinVar variation 219735 (VCV000219735.46), dbSNP rs139327086, ClinGen allele CA349613.

ClinVar aggregate classification (germline): Conflicting classifications of pathogenicity. Review status: criteria provided, conflicting classifications (1 of 4 stars). 12 submissions from 11 submitters: Uncertain significance (11); Likely benign (1). Last evaluated 2026-04-22.

Conditions:
TTC21B-related disorder. Also called: TTC21B-related disorders; TTC21B-related condition.
Jeune thoracic dystrophy. Also called: Short-rib thoracic dysplasia; Jeune syndrome; Infantile thoracic dystrophy; Thoracic pelvic phalangeal dystrophy; Jeune's syndrome; Chondroectodermal dysplasia-like syndrome. Identifiers: Orphanet 474, MedGen C0265275, MONDO:0018770.
Nephronophthisis. Also called: Juvenile Nephronophthisis. Identifiers: Orphanet 655, MedGen C0687120, MONDO:0019005, HP:0000090.
Nephronophthisis 12 (NPHP12). Identifiers: Orphanet 655, MedGen C3151186, MONDO:0013442, OMIM 613820.
Asphyxiating thoracic dystrophy 4 (SRTD4). Also called: SHORT-RIB THORACIC DYSPLASIA 4 WITH OR WITHOUT POLYDACTYLY; SHORT-RIB THORACIC DYSPLASIA 4. Identifiers: Orphanet 474, MedGen C3151185, MONDO:0013441, OMIM 613819.

Allele frequency attached by ClinVar (database versions not stated): gnomAD exomes 0.00055; gnomAD 0.00056; ExAC 0.00057; TOPMed 0.00068; ESP Exome Variant Server 0.00115.
gnomAD v4.1: 1,474 of 1,613,496 alleles (0.091%); highest among the groups gnomAD compares: Non-Finnish European, 0.12%; 2 homozygotes.

Submissions (12):

PreventionGenetics, part of Exact Sciences
Classification: Uncertain significance for TTC21B-related condition. Last evaluated: 2026-04-22. Review status: criteria provided, single submitter. Criteria: ACMG Guidelines, 2015. Collection method: clinical testing. Allele origin: germline.
Comment: The TTC21B c.3932G>A variant is predicted to result in the amino acid substitution p.Arg1311His. This variant has been reported in the heterozygous state in an individual with VATER/VACTERL-like phenotype including recto-urethral fistula and ectopic kidney (Supplemental Table S2, Hilger et al. 2015. PubMed ID: 26294094). It has also been reported in an individual with diastrophic dysplasia who was found to have an alternate cause for the disease (Bondarenko et al. 2023. PubMed ID: 37265969). This variant is reported in 0.10% of alleles in individuals of European (non-Finnish) descent in gnomAD, which may be too common to be a primary cause of disease. Although we suspect that this variant may be benign, at this time, the clinical significance of this variant is uncertain due to the absence of conclusive functional and genetic evidence.

Labcorp Genetics (formerly Invitae), Labcorp
Classification: Uncertain significance for Jeune thoracic dystrophy; Nephronophthisis. Last evaluated: 2026-01-05. Review status: criteria provided, single submitter. Criteria: Invitae Variant Classification Sherloc (09022015). Collection method: clinical testing. Allele origin: germline.
Comment: This sequence change replaces arginine, which is basic and polar, with histidine, which is basic and polar, at codon 1311 of the TTC21B protein (p.Arg1311His). This variant is present in population databases (rs139327086, gnomAD 0.1%), and has an allele count higher than expected for a pathogenic variant. This missense change has been observed in individual(s) with clinically-diverse ciliopathies (PMID: 21258341). ClinVar contains an entry for this variant (Variation ID: 219735). Invitae Evidence Modeling of protein sequence and biophysical properties (such as structural, functional, and spatial information, amino acid conservation, physicochemical variation, residue mobility, and thermodynamic stability) has been performed for this missense variant. However, the output from this modeling did not meet the statistical confidence thresholds required to predict the impact of this variant on TTC21B protein function. In summary, the available evidence is currently insufficient to determine the role of this variant in disease. Therefore, it has been classified as a Variant of Uncertain Significance.

Blueprint Genetics
Classification: Likely benign. Last evaluated: 2024-10-31. Review status: criteria provided, single submitter. Criteria: ACMG Guidelines, 2015. Collection method: clinical testing. Allele origin: germline.

Fulgent Genetics
Classification: Uncertain significance for Asphyxiating thoracic dystrophy 4; Nephronophthisis 12. Last evaluated: 2024-02-27. Review status: criteria provided, single submitter. Criteria: ACMG Guidelines, 2015. Collection method: clinical testing. Allele origin: germline.

ARUP Laboratories, Molecular Genetics and Genomics, ARUP Laboratories
Classification: Uncertain significance. Last evaluated: 2023-10-18. Review status: criteria provided, single submitter. Criteria: ARUP Molecular Germline Variant Investigation Process 2024. Collection method: clinical testing. Allele origin: germline.
Comment: The TTC21B c.3932G>A; p.Arg1311His variant (rs139327086) is reported in the literature in an individual with renal and genital anomalies (Hilger 2015). This variant is also reported in ClinVar (Variation ID: 219735). It is observed in the general population with an overall allele frequency of 0.05% (151/282482 alleles) in the Genome Aggregation Database. Computational analyses are uncertain whether this variant is neutral or deleterious (REVEL: 0.25). Due to limited information, the clinical significance of this variant is uncertain at this time. References: Hilger AC et al. Targeted Resequencing of 29 Candidate Genes and Mouse Expression Studies Implicate ZIC3 and FOXF1 in Human VATER/VACTERL Association. Hum Mutat. 2015 Dec;36(12):1150-4. PMID: 26294094.

CeGaT Center for Human Genetics Tuebingen
Classification: Uncertain significance. Last evaluated: 2023-10-01. Review status: criteria provided, single submitter. Criteria: CeGaT Center For Human Genetics Tuebingen Variant Classification Criteria Version 2. Collection method: clinical testing. Allele origin: germline. Affected: yes. Observed: 1 variant allele.
Comment: TTC21B: PM2, BP4

Mayo Clinic Laboratories, Mayo Clinic
Classification: Uncertain significance. Last evaluated: 2022-11-22. Review status: criteria provided, single submitter. Criteria: ACMG Guidelines, 2015. Collection method: clinical testing. Allele origin: germline. Observed: 1 variant allele.
Comment: BP4

GeneDx
Classification: Uncertain significance. Last evaluated: 2021-11-18. Review status: criteria provided, single submitter. Criteria: GeneDx Variant Classification Process June 2021. Collection method: clinical testing. Allele origin: germline. Affected: yes.
Comment: Reported in heterozygous state in a patient with renal and genital anomalies (Hilger et al., 2015); In silico analysis, which includes protein predictors and evolutionary conservation, supports a deleterious effect; This variant is associated with the following publications: (PMID: 26294094, 21258341)

Revvity Omics, Revvity
Classification: Uncertain significance. Last evaluated: 2019-07-25. Review status: criteria provided, single submitter. Criteria: ACMG Guidelines, 2015. Collection method: clinical testing. Allele origin: germline.

Illumina Laboratory Services, Illumina
Classification: Uncertain significance for Asphyxiating thoracic dystrophy 4. Last evaluated: 2017-04-27. Review status: criteria provided, single submitter. Criteria: ICSL Variant Classification Criteria 13 December 2019. Collection method: clinical testing. Allele origin: germline.

Illumina Laboratory Services, Illumina
Classification: Uncertain significance for Nephronophthisis 12. Last evaluated: 2017-04-27. Review status: criteria provided, single submitter. Criteria: ICSL Variant Classification Criteria 13 December 2019. Collection method: clinical testing. Allele origin: germline.

Eurofins Ntd Llc (ga)
Classification: Uncertain significance. Last evaluated: 2015-10-20. Review status: criteria provided, single submitter. Criteria: EGL Classification Definitions 2015. Collection method: clinical testing. Allele origin: germline. Observed: 1 variant allele, 1 heterozygote.

Literature cited by the submitters: PubMed 21258341 (cited by Labcorp Genetics (formerly Invitae), Labcorp); PubMed 26294094 (cited by Mayo Clinic Laboratories, Mayo Clinic).